The following is an entry in ClinVar:

NM_001267550.2(TTN):c.63626G>A (p.Arg21209Gln)

Genes: TTN-AS1 (TTN antisense RNA 1; plus strand), TTN (titin; minus strand). Cytogenetic location: 2q31.2.
Variant type: single nucleotide variant.
Coding change: c.63626G>A on transcript NM_001267550.2 (MANE Select); coding-DNA position 63626, G replaced by A.
Protein change: p.Arg21209Gln; replaces arginine 21209 with glutamine.
Molecular consequence: missense variant.
Genome position (GRCh38, 1-based): chr2:178,587,683, C>T on the plus strand (G>A on the coding strand, the complement: TTN is on the minus strand). VCF-style: chr2-178587683-C-T. GRCh37 (hg19) VCF-style: chr2-179452410-C-T.
Other names: c.63626G>A (LRG_391t1); c.58703G>A, p.Arg19568Gln (NM_001256850.1); c.36431G>A, p.Arg12144Gln (NM_003319.4); c.55922G>A, p.Arg18641Gln (NM_133378.4); c.36806G>A, p.Arg12269Gln (NM_133432.3); c.37007G>A, p.Arg12336Gln (NM_133437.4); short protein forms R18641Q, R21209Q, R12144Q, R19568Q, R12336Q, R12269Q.
Identifiers: ClinVar variation 202318 (VCV000202318.28), dbSNP rs148684589, ClinGen allele CA309070.
Genomic context (GRCh38, chr2:178,587,683, plus strand): 5'-GCCATAGTGTCAACCAGATCAACTTGTCCTTTTCTGACCACATTATCAATGCCAACTTTT[C>T]GCCAAGTGACTTTAGGGGCTGGTCGTCCTCTCACTATAGCAAAGAGACGAATAGGGCATC-3'
Protein context (NP_001254479.2, residues 21199-21219): RGRPAPKVTW[Arg21209Gln]KVGIDNVVRK

ClinVar aggregate classification (germline): Conflicting classifications of pathogenicity. Review status: criteria provided, conflicting classifications (1 of 4 stars). 11 submissions from 7 submitters: Uncertain significance (6); Likely benign (4). 1 of the submissions does not count toward it. Last evaluated 2026-04-27.

Conditions:
TTN-related disorder. Also called: TTN-related condition; TTN-related disease; TTN-related disorders.
Cardiovascular phenotype. Identifiers: MedGen CN230736.
Early-onset myopathy with fatal cardiomyopathy (CMYO5). Also called: Salih Myopathy; CONGENITAL MYOPATHY 5 WITH CARDIOMYOPATHY. Identifiers: Orphanet 289377, MedGen C2673677, MONDO:0012714, OMIM 611705. Disease mechanism: loss of function.
Myopathy, myofibrillar, 9, with early respiratory failure (MFM9). Also called: Myopathy, distal, with early respiratory failure, autosomal dominant; MYOPATHY, PROXIMAL, WITH EARLY RESPIRATORY MUSCLE INVOLVEMENT; Hereditary myopathy with early respiratory failure; EDSTROM MYOPATHY. Identifiers: Orphanet 178464, Orphanet 34521, MedGen C1863599, MONDO:0011362, OMIM 603689.
Tibial muscular dystrophy (TMD). Also called: Tibial muscular dystrophy, tardive; Udd Distal Myopathy – Tibial Muscular Dystrophy; UDD MYOPATHY. Identifiers: Orphanet 609, MedGen C1838244, MONDO:0010870, OMIM 600334.
Autosomal recessive limb-girdle muscular dystrophy type 2J (LGMDR10). Also called: Limb-girdle muscular dystrophy, type 2J; MUSCULAR DYSTROPHY, LIMB-GIRDLE, AUTOSOMAL RECESSIVE 10. Identifiers: Orphanet 140922, MedGen C1837342, MONDO:0012127, OMIM 608807.
Dilated cardiomyopathy 1G (CMD1G). Identifiers: Orphanet 154, MedGen C1858763, MONDO:0011400, OMIM 604145.

Allele frequency attached by ClinVar (database versions not stated): gnomAD exomes 0.00007 and 0.00008; ESP Exome Variant Server 0.00008; ExAC 0.00011; gnomAD 0.00015 and 0.00016; 1000 Genomes Project 30x 0.00016; TOPMed 0.00016; 1000 Genomes Project 0.00020.
gnomAD v4.1: 119 of 1,612,886 alleles (0.0074%); highest among the groups gnomAD compares: African/African-American, 0.037%; no homozygotes.

Submissions (11):

Women's Health and Genetics/Laboratory Corporation of America, LabCorp
Classification: Likely benign. Last evaluated: 2026-04-27. Review status: criteria provided, single submitter. Criteria: LabCorp Variant Classification Summary - May 2015. Collection method: clinical testing. Allele origin: germline.
Comment: Variant summary: TTN c.55922G>A (p.Arg18641Gln) results in a conservative amino acid change located in the A-band region of the encoded protein sequence. Algorithms developed to predict the effect of missense changes on protein structure and function are either unavailable or do not agree on the potential impact of this missense change. The variant allele was found at a frequency of 0.00015 in 150744 control chromosomes, predominantly at a frequency of 0.00043 within the African or African-American subpopulation in the gnomAD database. The observed variant frequency within African or African-American control individuals in the gnomAD database exceeds the estimated maximal expected allele frequency for disease-causing variants in TTN. To our knowledge, no occurrence of c.55922G>A in individuals affected with TTN-related conditions and no experimental evidence demonstrating its impact on protein function have been reported. ClinVar contains an entry for this variant (Variation ID: 202318). Based on the evidence outlined above, the variant was classified as likely benign.

PreventionGenetics, part of Exact Sciences
Classification: Uncertain significance for TTN-related condition. Last evaluated: 2026-03-26. Review status: criteria provided, single submitter. Criteria: ACMG Guidelines, 2015. Collection method: clinical testing. Allele origin: germline.
Comment: The TTN c.63626G>A variant is predicted to result in the amino acid substitution p.Arg21209Gln. To our knowledge, this variant has not been reported in the literature. This variant is reported in 0.054% of alleles in individuals of African descent in gnomAD. Although we suspect that this variant may be benign, at this time, the clinical significance of this variant is uncertain due to the absence of conclusive functional and genetic evidence.

Revvity Omics, Revvity
Classification: Uncertain significance. Last evaluated: 2021-09-24. Review status: criteria provided, single submitter. Criteria: ACMG Guidelines, 2015. Collection method: clinical testing. Allele origin: germline.

Ambry Genetics
Classification: Likely benign for Cardiovascular phenotype. Last evaluated: 2019-10-08. Review status: criteria provided, single submitter. Criteria: Ambry Variant Classification Scheme 2023. Collection method: clinical testing. Allele origin: germline.

Athena Diagnostics
Classification: Uncertain significance. Last evaluated: 2018-02-21. Review status: criteria provided, single submitter. Criteria: Athena Diagnostics Criteria. Collection method: clinical testing. Allele origin: germline.

Illumina Laboratory Services, Illumina
Classification: Likely benign for Myopathy, myofibrillar, 9, with early respiratory failure. Last evaluated: 2018-01-13. Review status: criteria provided, single submitter. Criteria: ICSL Variant Classification Criteria 13 December 2019. Collection method: clinical testing. Allele origin: germline.
Comment: This variant was observed in the ICSL laboratory as part of a predisposition screen in an ostensibly healthy population. It had not been previously curated by ICSL or reported in the Human Gene Mutation Database (HGMD: prior to June 1st, 2018), and was therefore a candidate for classification through an automated scoring system. Utilizing variant allele frequency, disease prevalence and penetrance estimates, and inheritance mode, an automated score was calculated to assess if this variant is too frequent to cause the disease. Based on the score and internal cut-off values, a variant classified as likely benign is not then subjected to further curation. The score for this variant resulted in a classification of likely benign for this disease.

Illumina Laboratory Services, Illumina
Classification: Uncertain significance for Dilated cardiomyopathy 1G. Last evaluated: 2018-01-13. Review status: criteria provided, single submitter. Criteria: ICSL Variant Classification Criteria 13 December 2019. Collection method: clinical testing. Allele origin: germline.

Illumina Laboratory Services, Illumina
Classification: Likely benign for Tibial muscular dystrophy. Last evaluated: 2018-01-13. Review status: criteria provided, single submitter. Criteria: ICSL Variant Classification Criteria 13 December 2019. Collection method: clinical testing. Allele origin: germline.
Comment: the same text as in the submission from Illumina Laboratory Services, Illumina above.

Illumina Laboratory Services, Illumina
Classification: Uncertain significance for Autosomal recessive limb-girdle muscular dystrophy type 2J. Last evaluated: 2018-01-13. Review status: criteria provided, single submitter. Criteria: ICSL Variant Classification Criteria 13 December 2019. Collection method: clinical testing. Allele origin: germline.

Illumina Laboratory Services, Illumina
Classification: Uncertain significance for Early-onset myopathy with fatal cardiomyopathy. Last evaluated: 2018-01-13. Review status: criteria provided, single submitter. Criteria: ICSL Variant Classification Criteria 13 December 2019. Collection method: clinical testing. Allele origin: germline.

Department of Pathology and Laboratory Medicine, Sinai Health System
Classification: Uncertain significance. Review status: no assertion criteria provided. Collection method: clinical testing. Allele origin: unknown. Affected: yes. Study: The Canadian Open Genetics Repository (COGR). Not counted in ClinVar's aggregate classification.
Comment: The TTN p.Arg18641Gln variant was not identified in the literature but was identified in dbSNP (ID: rs148684589), ClinVar (classified as uncertain significance by Athena Diagnostics and Ambry Genetics), and LOVD 3.0 (variant effect not shared). The variant was identified in control databases in 28 of 279170 chromosomes at a frequency of 0.0001003 (Genome Aggregation Database March 6, 2019, v2.1.1). The variant was observed in the following populations: African in 13 of 24174 chromosomes (freq: 0.000538), Other in 3 of 7086 chromosomes (freq: 0.000423), European (non-Finnish) in 10 of 127526 chromosomes (freq: 0.000078), East Asian in 1 of 19264 chromosomes (freq: 0.000052) and South Asian in 1 of 30582 chromosomes (freq: 0.000033), but was not observed in the Latino, Ashkenazi Jewish, or European (Finnish) populations. The p.Arg18641 residue is conserved in mammals and four of five computational analyses (PolyPhen-2, SIFT, AlignGVGD, BLOSUM, MutationTaster) suggest that the variant may impact the protein; this information is not predictive enough to assume pathogenicity. The variant occurs outside of the splicing consensus sequence and in silico or computational prediction software programs (SpliceSiteFinder, MaxEntScan, NNSPLICE, GeneSplicer) do not predict a difference in splicing. In summary, based on the above information the clinical significance of this variant cannot be determined with certainty at this time. This variant is classified as a variant of uncertain significance.